The following is an entry in ClinVar:

ClinVar aggregate classification (germline): Conflicting classifications of pathogenicity. Review status: criteria provided, conflicting classifications (1 of 4 stars). 3 submissions from 3 submitters: Uncertain significance (1); Likely benign (1). 1 of the submissions does not count toward it. Last evaluated 2026-01-01.

Conditions:
TCF4-related disorder. Also called: TCF4-related condition.
Permanent neonatal diabetes mellitus (PNDM). Identifiers: Orphanet 99885, MedGen C1833104, MONDO:0100164, MONDO:0011643. Disease mechanism: gain of function.
Pitt-Hopkins syndrome (PTHS). Also called: ENCEPHALOPATHY, SEVERE EPILEPTIC, WITH AUTONOMIC DYSFUNCTION; MENTAL RETARDATION, SYNDROMAL, WITH INTERMITTENT HYPERVENTILATION. Identifiers: Orphanet 2896, MedGen C1970431, MONDO:0012589, OMIM 610954.

Allele frequency attached by ClinVar (database versions not stated): ExAC 0.00001; gnomAD 0.00001; TOPMed below 0.00001.
gnomAD v4.1: 21 of 1,613,834 alleles (0.0013%); highest among the groups gnomAD compares: Non-Finnish European, 0.0018%; no homozygotes.

Submissions (3):

Genomic Medicine Center of Excellence, King Faisal Specialist Hospital and Research Centre
Classification: Uncertain significance for Permanent Neonatal Diabetes Mellitus. Last evaluated: 2026-01-01. Review status: criteria provided, single submitter. Criteria: ACMG Guidelines, 2015. Collection method: clinical testing. Allele origin: germline. Affected: yes.

Labcorp Genetics (formerly Invitae), Labcorp
Classification: Likely benign for Pitt-Hopkins syndrome. Last evaluated: 2025-10-27. Review status: criteria provided, single submitter. Criteria: Invitae Variant Classification Sherloc (09022015). Collection method: clinical testing. Allele origin: germline.

PreventionGenetics, part of Exact Sciences
Classification: Uncertain significance for TCF4-related condition. Last evaluated: 2024-02-24. Review status: no assertion criteria provided. Collection method: clinical testing. Allele origin: germline. Not counted in ClinVar's aggregate classification.
Comment: The TCF4 c.633C>G variant is predicted to result in the amino acid substitution p.Phe211Leu. To our knowledge, this variant has not been reported in the literature. A different nucleotide substitution resulting in the same missense variant p.Phe211Leu was observed in a patient with schizophrenia (Basmanav et al. 2015. PubMed ID: 26010163). This variant is reported in 0.0035% of alleles in individuals of European (Non-Finnish) descent in gnomAD. At this time, the clinical significance of this variant is uncertain due to the absence of conclusive functional and genetic evidence.

NM_001083962.2(TCF4):c.633C>G (p.Phe211Leu)

Gene: TCF4 (transcription factor 4; minus strand). Cytogenetic location: 18q21.2.
Variant type: single nucleotide variant.
Coding change: c.633C>G on transcript NM_001083962.2 (MANE Select); coding-DNA position 633, C replaced by G.
Protein change: p.Phe211Leu; replaces phenylalanine 211 with leucine.
Molecular consequence: missense variant. On other transcripts: 5 prime UTR variant (1).
Genome position (GRCh38, 1-based): chr18:55,279,573, G>C on the plus strand (C>G on the coding strand, the complement: TCF4 is on the minus strand). VCF-style: chr18-55279573-G-C. GRCh37 (hg19) VCF-style: chr18-52946804-G-C.
Other names: c.939C>G, p.Phe313Leu (NM_001243226.3); c.561C>G, p.Phe187Leu (NM_001243227.2, NM_001306207.1, NM_001348217.1 and 9 more transcripts); c.651C>G, p.Phe217Leu (NM_001243228.2); c.627C>G, p.Phe209Leu (NM_001243230.2); c.507C>G, p.Phe169Leu (NM_001243231.2, NM_001348211.2); c.420C>G, p.Phe140Leu (NM_001243232.1, NM_001306208.1); c.243C>G, p.Phe81Leu (NM_001243233.2, NM_001330605.3, NM_001348212.2 and 1 more transcripts); c.153C>G, p.Phe51Leu (NM_001243234.2, NM_001243235.2, NM_001243236.2 and 2 more transcripts); and 4 more; short protein forms F140L, F169L, F186L, F187L, F209L, F210L, F211L, F217L.
Identifiers: ClinVar variation 2636019 (VCV002636019.7), dbSNP rs776969005, ClinGen allele CA8970444.